The following is an entry in ClinVar:

NM_001276270.2(MBD4):c.1306C>G (p.Arg436Gly)

Gene: MBD4 (methyl-CpG binding domain 4, DNA glycosylase; minus strand). Cytogenetic location: 3q21.3.
Variant type: single nucleotide variant.
Coding change: c.1306C>G on transcript NM_001276270.2 (MANE Select); coding-DNA position 1306, C replaced by G.
Protein change: p.Arg436Gly; replaces arginine 436 with glycine.
Molecular consequence: missense variant.
Genome position (GRCh38, 1-based): chr3:129,433,937, G>C on the plus strand (C>G on the coding strand, the complement: MBD4 is on the minus strand). VCF-style: chr3-129433937-G-C. GRCh37 (hg19) VCF-style: chr3-129152780-G-C.
Other names: c.1324C>G, p.Arg442Gly (NM_001276271.2, NM_001276272.2, NM_003925.3); c.370C>G, p.Arg124Gly (NM_001276273.2); short protein forms R436G, R124G, R442G.
Identifiers: ClinVar variation 4104625 (VCV004104625.1).

ClinVar aggregate classification (germline): Uncertain significance (1 of 4 stars; one submission).

Conditions:
Inborn genetic diseases. Identifiers: MedGen C0950123, MeSH D030342.

Submission:

Ambry Genetics
Classification: Uncertain significance for Inborn genetic diseases. Last evaluated: 2025-07-25. Review status: criteria provided, single submitter. Criteria: Ambry Variant Classification Scheme 2023. Collection method: clinical testing. Allele origin: germline.
Comment: The p.R436G variant (also known as c.1306C>G), located in coding exon 5 of the MBD4 gene, results from a C to G substitution at nucleotide position 1306. The arginine at codon 436 is replaced by glycine, an amino acid with dissimilar properties. This amino acid position is conserved. In addition, the in silico prediction for this alteration is inconclusive. Based on the available evidence, the clinical significance of this variant remains unclear.